The following is an entry in ClinVar:

NM_006516.4(SLC2A1):c.588G>A (p.Pro196=)

Gene: SLC2A1 (solute carrier family 2 member 1; minus strand). Cytogenetic location: 1p34.2.
Variant type: single nucleotide variant.
Coding change: c.588G>A on transcript NM_006516.4 (MANE Select); coding-DNA position 588, G replaced by A.
Protein change: p.Pro196=; no amino-acid change (proline 196 retained).
Molecular consequence: synonymous variant.
Genome position (GRCh38, 1-based): chr1:42,929,964, C>T on the plus strand (G>A on the coding strand, the complement: SLC2A1 is on the minus strand). VCF-style: chr1-42929964-C-T. GRCh37 (hg19) VCF-style: chr1-43395635-C-T.
Other names: p.Pro196=; c.588G>A (NM_006516.3).
Identifiers: ClinVar variation 95414 (VCV000095414.42), dbSNP rs2229682, ClinGen allele CA019224.

ClinVar aggregate classification (germline): Benign/Likely benign. Review status: criteria provided, multiple submitters, no conflicts (2 of 4 stars). 23 submissions from 18 submitters: Benign (17); Likely benign (1). 5 of the submissions do not count toward it. Last evaluated 2026-02-04.

Conditions:
Hereditary cryohydrocytosis with reduced stomatin. Also called: Stomatin-deficient cryohydrocytosis with neurologic defects; GLUT1 DEFICIENCY SYNDROME WITH PSEUDOHYPERKALEMIA AND HEMOLYSIS. Identifiers: Orphanet 168577, MedGen C1837206, MONDO:0012143, OMIM 608885.
Inborn genetic diseases. Identifiers: MedGen C0950123, MeSH D030342.
Dystonia 9 (DYT9). Also called: CHOREOATHETOSIS, KINESIGENIC, WITH EPISODIC ATAXIA AND SPASTICITY. Identifiers: Orphanet 53583, MedGen C1832855, MONDO:0010983, OMIM 601042.
Epilepsy, idiopathic generalized, susceptibility to, 12 (EIG12). Identifiers: MedGen C3553859, MONDO:0013919, OMIM 614847.
Childhood onset GLUT1 deficiency syndrome 2. Also called: Exertion-induced paroxysmal dyskinesia; PED WITH OR WITHOUT EPILEPSY AND/OR HEMOLYTIC ANEMIA; PAROXYSMAL EXERCISE-INDUCED DYSKINESIA WITH OR WITHOUT EPILEPSY AND/OR HEMOLYTIC ANEMIA; PAROXYSMAL EXERTION-INDUCED DYSTONIA WITH OR WITHOUT EPILEPSY AND/OR HEMOLYTIC ANEMIA; Paroxysmal exercise-induced dystonia; GLUT1 deficiency syndrome 2. Identifiers: Orphanet 98811, MedGen C1842534, MONDO:0012805, OMIM 612126.
GLUT1 deficiency syndrome 1, autosomal recessive. Identifiers: MedGen C3149117.
Encephalopathy due to GLUT1 deficiency. Also called: GLUCOSE TRANSPORT DEFECT, BLOOD-BRAIN BARRIER; Classic Glucose Transporter Type 1 Deficiency Syndrome; De Vivo disease; GLUT1 deficiency syndrome 1; Glucose transporter protein syndrome; GLUT1 deficiency syndrome 1, infantile onset, severe. Identifiers: Orphanet 71277, MedGen C4551966, MONDO:0011724, OMIM 606777.

Allele frequency attached by ClinVar (database versions not stated): 1000 Genomes Project 0.11961; 1000 Genomes Project 30x 0.12320; TOPMed 0.14864; ESP Exome Variant Server 0.15116.
gnomAD v4.1: 312,191 of 1,613,880 alleles (19%); highest among the groups gnomAD compares: Non-Finnish European, 21%; 31,668 homozygotes.

Submissions (28):

Labcorp Genetics (formerly Invitae), Labcorp
Classification: Benign for GLUT1 deficiency syndrome 1, autosomal recessive. Last evaluated: 2026-02-04. Review status: criteria provided, single submitter. Criteria: Invitae Variant Classification Sherloc (09022015). Collection method: clinical testing. Allele origin: germline.

Blueprint Genetics
Classification: Likely benign. Last evaluated: 2024-11-26. Review status: criteria provided, single submitter. Criteria: ACMG Guidelines, 2015. Collection method: clinical testing. Allele origin: germline.

Unidad de Genómica Garrahan, Hospital de Pediatría Garrahan
Classification: Benign. Last evaluated: 2024-07-15. Review status: criteria provided, single submitter. Criteria: ACMG Guidelines, 2015. Collection method: clinical testing. Allele origin: germline. Affected: no. Observed: 37 variant alleles.
Comment: This variant is classified as Benign based on local population frequency. This variant was detected in 40% of patients studied in a panel designed for Epileptic and Developmental Encephalopathy and Progressive Myoclonus Epilepsy. Number of patients: 37. Only high quality variants are reported.

Genome-Nilou Lab
Classification: Benign for Epilepsy, idiopathic generalized, susceptibility to, 12. Last evaluated: 2023-04-11. Review status: criteria provided, single submitter. Criteria: ACMG Guidelines, 2015. Collection method: clinical testing. Allele origin: germline. Affected: no.

Genome-Nilou Lab
Classification: Benign for Dystonia 9. Last evaluated: 2023-04-11. Review status: criteria provided, single submitter. Criteria: ACMG Guidelines, 2015. Collection method: clinical testing. Allele origin: germline. Affected: no.

Genome-Nilou Lab
Classification: Benign for Encephalopathy due to GLUT1 deficiency. Last evaluated: 2023-04-11. Review status: criteria provided, single submitter. Criteria: ACMG Guidelines, 2015. Collection method: clinical testing. Allele origin: germline. Affected: no.

Genome-Nilou Lab
Classification: Benign for Childhood onset GLUT1 deficiency syndrome 2. Last evaluated: 2023-04-11. Review status: criteria provided, single submitter. Criteria: ACMG Guidelines, 2015. Collection method: clinical testing. Allele origin: germline. Affected: no.

Genome-Nilou Lab
Classification: Benign for Hereditary cryohydrocytosis with reduced stomatin. Last evaluated: 2023-04-11. Review status: criteria provided, single submitter. Criteria: ACMG Guidelines, 2015. Collection method: clinical testing. Allele origin: germline. Affected: no.

Mayo Clinic Laboratories, Mayo Clinic
Classification: Benign. Last evaluated: 2022-03-24. Review status: criteria provided, single submitter. Criteria: ACMG Guidelines, 2015. Collection method: clinical testing. Allele origin: germline. Observed: 1,151 variant alleles.

Illumina Laboratory Services, Illumina
Classification: Benign for Encephalopathy due to GLUT1 deficiency. Last evaluated: 2018-01-12. Review status: criteria provided, single submitter. Criteria: ICSL Variant Classification Criteria 13 December 2019. Collection method: clinical testing. Allele origin: germline.
Comment: This variant was observed in the ICSL laboratory as part of a predisposition screen in an ostensibly healthy population. It had not been previously curated by ICSL or reported in the Human Gene Mutation Database (HGMD: prior to June 1st, 2018), and was therefore a candidate for classification through an automated scoring system. Utilizing variant allele frequency, disease prevalence and penetrance estimates, and inheritance mode, an automated score was calculated to assess if this variant is too frequent to cause the disease. Based on the score and internal cut-off values, a variant classified as benign is not then subjected to further curation. The score for this variant resulted in a classification of benign for this disease.

Illumina Laboratory Services, Illumina
Classification: Benign for Dystonia 9. Last evaluated: 2018-01-12. Review status: criteria provided, single submitter. Criteria: ICSL Variant Classification Criteria 13 December 2019. Collection method: clinical testing. Allele origin: germline.
Comment: the same text as in the submission from Illumina Laboratory Services, Illumina above.

Athena Diagnostics
Classification: Benign for Encephalopathy due to GLUT1 deficiency. Last evaluated: 2017-04-14. Review status: criteria provided, single submitter. Criteria: Athena Diagnostics Criteria. Collection method: clinical testing. Allele origin: germline.

Eurofins Ntd Llc (ga)
Classification: Benign. Last evaluated: 2016-06-27. Review status: criteria provided, single submitter. Criteria: EGL Classification Definitions 2015. Collection method: clinical testing. Allele origin: germline. Observed: 27 variant alleles, 25 heterozygotes, 2 homozygotes.

Ambry Genetics
Classification: Benign for Inborn genetic diseases. Last evaluated: 2016-02-22. Review status: criteria provided, single submitter. Criteria: Ambry Variant Classification Scheme 2023. Collection method: clinical testing. Allele origin: germline.

GeneDx
Classification: Benign. Last evaluated: 2015-03-03. Review status: criteria provided, single submitter. Criteria: GeneDx Variant Classification Process June 2021. Collection method: clinical testing. Allele origin: germline. Affected: yes.

Genetic Services Laboratory, University of Chicago
Classification: Benign. Last evaluated: 2013-02-08. Review status: criteria provided, single submitter. Criteria: ACMG Guidelines, 2007. Collection method: clinical testing. Allele origin: germline. Inheritance: Autosomal dominant inheritance.

Breakthrough Genomics
Classification: Benign. Review status: criteria provided, single submitter. Criteria: ACMG Guidelines, 2015. Collection method: not provided. Allele origin: germline. Inheritance: Autosomal dominant inheritance. Affected: yes.

PreventionGenetics, part of Exact Sciences
Classification: Benign. Review status: criteria provided, single submitter. Criteria: ACMG Guidelines, 2015. Collection method: clinical testing. Allele origin: germline.

Clinical Genetics DNA and cytogenetics Diagnostics Lab, Erasmus MC, Erasmus Medical Center
Classification: Benign. Review status: no assertion criteria provided. Collection method: clinical testing. Allele origin: germline. Affected: yes. Study: VKGL Data-share Consensus. Not counted in ClinVar's aggregate classification.

Clinical Genetics, Academic Medical Center
Classification: Benign. Review status: no assertion criteria provided. Collection method: clinical testing. Allele origin: germline. Affected: yes. Study: VKGL Data-share Consensus. Not counted in ClinVar's aggregate classification.

Diagnostic Laboratory, Department of Genetics, University Medical Center Groningen
Classification: Benign. Review status: no assertion criteria provided. Collection method: clinical testing. Allele origin: germline. Affected: yes. Study: VKGL Data-share Consensus. Not counted in ClinVar's aggregate classification.

Dr. Peter K. Rogan Lab, Western University
No classification provided (evidence only). Condition: Malignant lymphoma, large B-cell, diffuse. Review status: no classification provided. Collection method: in vitro. Allele origin: not applicable. Functional consequence: retained intron. Not counted in ClinVar's aggregate classification.

Dr. Peter K. Rogan Lab, Western University
No classification provided (evidence only). Condition: Malignant lymphoma, large B-cell, diffuse. Review status: no classification provided. Collection method: in vitro. Allele origin: not applicable. Functional consequence: retained intron. Not counted in ClinVar's aggregate classification.

Dr. Peter K. Rogan Lab, Western University
No classification provided (evidence only). Condition: Malignant lymphoma, large B-cell, diffuse. Review status: no classification provided. Collection method: in vitro. Allele origin: not applicable. Functional consequence: retained intron. Not counted in ClinVar's aggregate classification.

Dr. Peter K. Rogan Lab, Western University
No classification provided (evidence only). Condition: Uterine carcinosarcoma. Review status: no classification provided. Collection method: in vitro. Allele origin: not applicable. Functional consequence: retained intron. Not counted in ClinVar's aggregate classification.

Dr. Peter K. Rogan Lab, Western University
No classification provided (evidence only). Condition: Uterine carcinosarcoma. Review status: no classification provided. Collection method: in vitro. Allele origin: not applicable. Functional consequence: retained intron. Not counted in ClinVar's aggregate classification.

Genome Diagnostics Laboratory, University Medical Center Utrecht
Classification: Benign. Review status: no assertion criteria provided. Collection method: clinical testing. Allele origin: germline. Affected: yes. Study: VKGL Data-share Consensus. Not counted in ClinVar's aggregate classification.

Joint Genome Diagnostic Labs from Nijmegen and Maastricht, Radboudumc and MUMC+
Classification: Benign. Review status: no assertion criteria provided. Collection method: clinical testing. Allele origin: germline. Affected: yes. Study: VKGL Data-share Consensus. Not counted in ClinVar's aggregate classification.